The following is an entry in ClinVar:

NM_001377530.1(DMBT1):c.2001T>C (p.Asp667=)

Gene: DMBT1 (deleted in malignant brain tumors 1; plus strand). Cytogenetic location: 10q26.13.
Variant type: single nucleotide variant.
Coding change: c.2001T>C on transcript NM_001377530.1 (MANE Select); coding-DNA position 2001, T replaced by C.
Protein change: p.Asp667=; no amino-acid change (aspartic acid 667 retained).
Molecular consequence: synonymous variant. On other transcripts: intron variant (1).
Genome position (GRCh38, 1-based): chr10:122,589,161, T>C. VCF-style: chr10-122589161-T-C. GRCh37 (hg19) VCF-style: chr10-124348677-T-C.
Other names: c.2001T>C, p.Asp667= (NM_001320644.2, NM_007329.3); c.1971T>C, p.Asp657= (NM_017579.3); c.1420+4810T>C (NM_004406.3).
Identifiers: ClinVar variation 2640928 (VCV002640928.24), dbSNP rs756134511, ClinGen allele CA471746209.

ClinVar aggregate classification (germline): Likely benign (1 of 4 stars; one submission).

Submission:

CeGaT Center for Human Genetics Tuebingen
Classification: Likely benign. Last evaluated: 2022-11-01. Review status: criteria provided, single submitter. Criteria: CeGaT Center For Human Genetics Tuebingen Variant Classification Criteria Version 2. Collection method: clinical testing. Allele origin: germline. Affected: yes. Observed: 1 variant allele.
Comment: DMBT1: PM2:Supporting, BP4, BP7